The following is an entry in ClinVar:

NM_020778.5(ALPK3):c.1387C>G (p.Pro463Ala)

Gene: ALPK3 (alpha kinase 3; plus strand). Cytogenetic location: 15q25.3.
Variant type: single nucleotide variant.
Coding change: c.1387C>G on transcript NM_020778.5 (MANE Select); coding-DNA position 1387, C replaced by G.
Protein change: p.Pro463Ala; replaces proline 463 with alanine.
Molecular consequence: missense variant.
Genome position (GRCh38, 1-based): chr15:84,840,666, C>G. VCF-style: chr15-84840666-C-G. GRCh37 (hg19) VCF-style: chr15-85383897-C-G.
Other names: c.1993C>G (NM_020778.4); short protein forms P463A.
Identifiers: ClinVar variation 1716016 (VCV001716016.6), dbSNP rs267604352, ClinGen allele CA393375520.

ClinVar aggregate classification (germline): Uncertain significance. Review status: criteria provided, multiple submitters, no conflicts (2 of 4 stars). 2 submissions from 2 submitters: Uncertain significance (2). Last evaluated 2023-09-18.

Conditions:
Cardiovascular phenotype. Identifiers: MedGen CN230736.

Allele frequency attached by ClinVar (database versions not stated): gnomAD exomes below 0.00001; gnomAD 0.00001.
gnomAD v4.1: 2 of 1,588,170 alleles (0.00013%); highest among the groups gnomAD compares: African/African-American, 0.0014%; no homozygotes.

Submissions (2):

Ambry Genetics
Classification: Uncertain significance for Cardiovascular phenotype. Last evaluated: 2023-09-18. Review status: criteria provided, single submitter. Criteria: Ambry Variant Classification Scheme 2023. Collection method: clinical testing. Allele origin: germline.
Comment: The p.P665A variant (also known as c.1993C>G), located in coding exon 5 of the ALPK3 gene, results from a C to G substitution at nucleotide position 1993. The proline at codon 665 is replaced by alanine, an amino acid with highly similar properties. This amino acid position is conserved. In addition, this alteration is predicted to be tolerated by in silico analysis. Since supporting evidence is limited at this time, the clinical significance of this alteration remains unclear.

Labcorp Genetics (formerly Invitae), Labcorp
Classification: Uncertain significance. Last evaluated: 2022-08-10. Review status: criteria provided, single submitter. Criteria: Invitae Variant Classification Sherloc (09022015). Collection method: clinical testing. Allele origin: germline.
Comment: This sequence change replaces proline, which is neutral and non-polar, with alanine, which is neutral and non-polar, at codon 665 of the ALPK3 protein (p.Pro665Ala). This variant is not present in population databases (gnomAD no frequency). This variant has not been reported in the literature in individuals affected with ALPK3-related conditions. Algorithms developed to predict the effect of missense changes on protein structure and function (SIFT, PolyPhen-2, Align-GVGD) all suggest that this variant is likely to be tolerated. In summary, the available evidence is currently insufficient to determine the role of this variant in disease. Therefore, it has been classified as a Variant of Uncertain Significance.